The following is an entry in ClinVar:

ClinVar aggregate classification (germline): Uncertain significance (1 of 4 stars; one submission).

Submission:

GeneDx
Classification: Uncertain significance. Last evaluated: 2015-12-24. Review status: criteria provided, single submitter. Criteria: GeneDx Variant Classification (06012015). Collection method: clinical testing. Allele origin: germline. Affected: yes.
Comment: The c.516+2 T>C variant has not been published as a pathogenic variant, nor has it been reported as a benign variant to our knowledge. The c.516+2 T>C variant was not observed in approximately 6,500 individuals of European and African American ancestry in the NHLBI Exome Sequencing Project, indicating it is not a common benign variant in these populations. The c.516+2 T>C variant destroys the canonical splice donor site in intron 4 and is predicted to cause abnormal gene splicing. This variant is predicted to lead to either an abnormal message that is subject to nonsense-mediated mRNA decay, or to an abnormal protein product if the message is used for protein translation. However, only missense changes have been reported in the MAP2K1 gene (Stenson et al. 2014), indicating haploinsufficiency of MAP2K1 may not be sufficient to cause disease. Cardiac disease typically results from gain of function of various components of the MAPK signaling pathway.Therefore, based on the currently available information, it is unclear whether this variant is pathogenic or rare benign

NM_002755.4(MAP2K1):c.516+2T>C

Gene: MAP2K1 (mitogen-activated protein kinase kinase 1; plus strand). Cytogenetic location: 15q22.31.
Variant type: single nucleotide variant.
Coding change: c.516+2T>C on transcript NM_002755.4 (MANE Select); the canonical splice donor site of the intron after coding-DNA position 516, T replaced by C.
Molecular consequence: splice donor variant. On other transcripts: intron variant (1).
Genome position (GRCh38, 1-based): chr15:66,443,359, T>C. VCF-style: chr15-66443359-T-C. GRCh37 (hg19) VCF-style: chr15-66735697-T-C.
Other names: c.373-1297T>C (NM_001411065.1).
Identifiers: ClinVar variation 372835 (VCV000372835.1), dbSNP rs1057518013, ClinGen allele CA16043015.